The following is an entry in ClinVar:

ClinVar aggregate classification (germline): Pathogenic/Likely pathogenic. Review status: criteria provided, multiple submitters, no conflicts (2 of 4 stars). 14 submissions from 14 submitters: Pathogenic (9); Likely pathogenic (4). 1 of the submissions does not count toward it. Last evaluated 2026-01-29.

Conditions:
Muscular dystrophy, limb-girdle, autosomal dominant 4. Also called: MUSCULAR DYSTROPHY, LIMB-GIRDLE, TYPE 1I; Calpain-3-related limb-girdle muscular dystrophy D4. Identifiers: Orphanet 565909, MedGen C4748295, MONDO:0029133, OMIM 618129.
Autosomal recessive limb-girdle muscular dystrophy. Identifiers: Orphanet 102015, MedGen C2931907, MONDO:0015152.
Autosomal recessive limb-girdle muscular dystrophy type 2A (LGMDR1). Also called: Limb-girdle muscular dystrophy, type 2A; LEYDEN-MOEBIUS MUSCULAR DYSTROPHY; MUSCULAR DYSTROPHY, PELVOFEMORAL; Calpainopathy; Muscular dystrophy, limb-girdle, type 2A, Amish. Identifiers: Orphanet 267, MedGen C1869123, MONDO:0009675, OMIM 253600. Disease mechanism: loss of function.

Allele frequency attached by ClinVar (database versions not stated): TOPMed 0.00001.
gnomAD v4.1: 24 of 1,614,144 alleles (0.0015%); highest among the groups gnomAD compares: East Asian, 0.0045%; no homozygotes.

Submissions (14):

3billion
Classification: Pathogenic for Autosomal recessive limb-girdle muscular dystrophy type 2A. Last evaluated: 2026-01-29. Review status: criteria provided, single submitter. Criteria: ACMG Guidelines, 2015. Collection method: clinical testing. Allele origin: germline. Affected: yes.
Comment: The variant is observed at an extremely low frequency in the gnomAD v4.1.0 dataset (total allele frequency: 0.002%). Predicted Consequence/Location: Missense variant In silico tool predictions suggest damaging effect of the variant on gene or gene product [REVEL: 0.96 (>=0.6, sensitivity 0.68 and specificity 0.92); 3Cnet: 0.99 (> 0.75, sensitivity 0.96 and precision 0.92)]. The same nucleotide change resulting in the same amino acid change has been previously reported as pathogenic/likely pathogenic with strong evidence (ClinVar ID: VCV000282411 /PMID: 20517216). The variant has been reported to be in trans (confirmed or potential) with an additional pathogenic variant or VUS in at least one similarly affected unrelated individual (PMID: 30564623). Different missense changes at the same codon (p.Arg769Gln, p.Arg769Leu, p.Arg769Pro) have been reported as pathogenic/likely pathogenic with strong evidence (ClinVar ID: VCV000017613, VCV000652571, VCV002578458 /PMID: 16607617, 7720071). Therefore, this variant is classified as Pathogenic according to the recommendation of ACMG/AMP guideline.

Labcorp Genetics (formerly Invitae), Labcorp
Classification: Pathogenic for Autosomal recessive limb-girdle muscular dystrophy type 2A. Last evaluated: 2025-12-29. Review status: criteria provided, single submitter. Criteria: Invitae Variant Classification Sherloc (09022015). Collection method: clinical testing. Allele origin: germline.
Comment: This sequence change replaces arginine, which is basic and polar, with tryptophan, which is neutral and slightly polar, at codon 769 of the CAPN3 protein (p.Arg769Trp). This variant is present in population databases (no rsID available, gnomAD 0.007%). This missense change has been observed in individuals with autosomal recessive limb-girdle muscular dystrophy (PMID: 20517216, 26060040, 27066551, 28403181). ClinVar contains an entry for this variant (Variation ID: 282411). Invitae Evidence Modeling of protein sequence and biophysical properties (such as structural, functional, and spatial information, amino acid conservation, physicochemical variation, residue mobility, and thermodynamic stability) indicates that this missense variant is expected to disrupt CAPN3 protein function with a positive predictive value of 80%. This variant disrupts the p.Arg769 amino acid residue in CAPN3. Other variant(s) that disrupt this residue have been determined to be pathogenic (PMID: 7720071, 7762565, 7795603, 12461690, 14645990). This suggests that this residue is clinically significant, and that variants that disrupt this residue are likely to be disease-causing. For these reasons, this variant has been classified as Pathogenic.

Medical and Scientific Branch, Hong Kong Genome Institute
Classification: Pathogenic for Autosomal recessive limb-girdle muscular dystrophy type 2A. Last evaluated: 2025-10-11. Review status: criteria provided, single submitter. Criteria: ACMG Guidelines, 2015. Collection method: clinical testing. Allele origin: germline. Affected: yes.

Natera, Inc.
Classification: Pathogenic for Limb-girdle muscular dystrophy type 2A. Last evaluated: 2025-06-11. Review status: criteria provided, single submitter. Criteria: Natera Variant Classification Schema (03/2026). Collection method: clinical testing. Allele origin: germline.
Comment: The c.2305C>T variant in CAPN3 is a missense variant predicted to cause substitution of arginine to tryptophan at amino acid 769. This variant is rare in the general population with a frequency below the threshold expected for the associated phenotype(s). This variant has been observed in one or more individuals affected with the associated recessive disease, as either homozygous or compound heterozygous with a second variant (PMID: 26060040, 27066551). Additionally, this variant has been observed to segregate in affected family members (PMID: 27066551). Given the available evidence, this variant is classified as Pathogenic.

Revvity Omics, Revvity
Classification: Likely pathogenic. Last evaluated: 2024-06-20. Review status: criteria provided, single submitter. Criteria: ACMG Guidelines, 2015. Collection method: clinical testing. Allele origin: germline.

Baylor Genetics
Classification: Pathogenic for Muscular dystrophy, limb-girdle, autosomal dominant 4. Last evaluated: 2023-09-13. Review status: criteria provided, single submitter. Criteria: ACMG Guidelines, 2015. Collection method: clinical testing. Allele origin: unknown.

Women's Health and Genetics/Laboratory Corporation of America, LabCorp
Classification: Pathogenic for Autosomal recessive limb-girdle muscular dystrophy. Last evaluated: 2023-07-26. Review status: criteria provided, single submitter. Criteria: LabCorp Variant Classification Summary - May 2015. Collection method: clinical testing. Allele origin: germline.
Comment: Variant summary: CAPN3 c.2305C>T (p.Arg769Trp) results in a non-conservative amino acid change located in the EF hand domain (IPR002048) of the encoded protein sequence. Five of five in-silico tools predict a damaging effect of the variant on protein function. The variant allele was found at a frequency of 1.2e-05 in 251388 control chromosomes (gnomAD). c.2305C>T has been reported in the literature in individuals affected with Limb-Girdle Muscular Dystrophy (example: Nallamilli_2018, Yu_2017, Tian_2015). Other variant affecting the same codon has been classified pathogenic in ClinVar (p.Arg769Gln CV ID 17613) The following publications have been ascertained in the context of this evaluation (PMID: 30564623, 27066551, 28403181). Seven submitters have cited clinical-significance assessments for this variant to ClinVar after 2014. All submitters classified the variant as pathogenic/likely pathogenic. Based on the evidence outlined above, the variant was classified as pathogenic.

Institute for Medical Genetics and Human Genetics, Charité - Universitätsmedizin Berlin
Classification: Likely pathogenic for Autosomal recessive limb-girdle muscular dystrophy type 2A. Last evaluated: 2022-09-22. Review status: criteria provided, single submitter. Criteria: ACMG Guidelines, 2015. Collection method: clinical testing. Allele origin: germline. Inheritance: Autosomal recessive inheritance. Affected: yes. Observed: 1 compound heterozygote.

Genetics Laboratory, UDIAT-Centre Diagnòstic, Hospital Universitari Parc Tauli
Classification: Pathogenic. Last evaluated: 2021-04-26. Review status: criteria provided, single submitter. Criteria: Parc Tauli Hospital Assertion Criteria 2021. Collection method: clinical testing. Allele origin: unknown. Inheritance: Autosomal recessive inheritance. Affected: yes. Observed: 1 compound heterozygote.
Comment: PP5_strong;PM1_moderate;PM2_supporting;PM3_moderate;PM5_moderate;PP3_supporting;BP1_supporting

Athena Diagnostics
Classification: Likely pathogenic. Last evaluated: 2020-02-25. Review status: criteria provided, single submitter. Criteria: Athena Diagnostics Criteria. Collection method: clinical testing. Allele origin: unknown.
Comment: The frequency of this variant in the general population is consistent with pathogenicity. Found in at least one patient with expected phenotype for this gene. Predicted to have a damaging effect on the protein. One other pathogenic or likely pathogenic variant affects the same amino acid. In multiple individuals, this variant has been seen with a single recessive pathogenic variant in the same gene, suggesting this variant may also be pathogenic.

Eurofins Ntd Llc (ga)
Classification: Likely pathogenic. Last evaluated: 2017-04-12. Review status: criteria provided, single submitter. Criteria: EGL Classification Definitions 2015. Collection method: clinical testing. Allele origin: germline. Observed: 4 variant alleles, 4 heterozygotes.

Juno Genomics, Hangzhou Juno Genomics, Inc
Classification: Pathogenic for Autosomal recessive limb-girdle muscular dystrophy type 2A. Review status: criteria provided, single submitter. Criteria: ACMG Guidelines, 2015. Collection method: clinical testing. Allele origin: germline.
Comment: Absent from controls (or at extremely low frequency if recessive) in Genome Aggregation Database.;Multiple lines of computational evidence support a deleterious effect on the gene or gene product.;For recessive disorders, detected in trans with a pathogenic variant.;Co-segregation with disease in multiple affected family members.;Novel missense change at an amino acid residue where a different missense change determined to be pathogenic has been seen before.

Kasturba Medical College, Manipal, Kasturba Medical College, Manipal, Manipal Academy of Higher Education, Manipal, India
Classification: Pathogenic for Autosomal recessive limb-girdle muscular dystrophy type 2A. Review status: criteria provided, single submitter. Criteria: ACMG Guidelines, 2015. Collection method: clinical testing. Allele origin: biparental. Inheritance: Autosomal recessive inheritance. Affected: yes. Observed: 1 homozygote.

Counsyl
Classification: Likely pathogenic for Autosomal recessive limb-girdle muscular dystrophy type 2A. Last evaluated: 2017-05-16. Review status: no assertion criteria provided. Collection method: clinical testing. Allele origin: unknown. Not counted in ClinVar's aggregate classification.

Literature cited by the submitters: PubMed 20517216 (cited by 3 submitters); PubMed 30564623 (cited by 3billion and Women's Health and Genetics/Laboratory Corporation of America, LabCorp); PubMed 16607617 (cited by 3billion); PubMed 26060040 (cited by 4 submitters); PubMed 27066551 (cited by 5 submitters); PubMed 28403181 (cited by 3 submitters); PubMed 7720071 (cited by Labcorp Genetics (formerly Invitae), Labcorp); PubMed 7762565 (cited by Labcorp Genetics (formerly Invitae), Labcorp); PubMed 7795603 (cited by Labcorp Genetics (formerly Invitae), Labcorp); PubMed 12461690 (cited by Labcorp Genetics (formerly Invitae), Labcorp); PubMed 14645990 (cited by Labcorp Genetics (formerly Invitae), Labcorp); PubMed 31555977 (cited by Athena Diagnostics).

NM_000070.3(CAPN3):c.2305C>T (p.Arg769Trp)

Gene: CAPN3 (calpain 3; plus strand). Cytogenetic location: 15q15.1.
Variant type: single nucleotide variant.
Coding change: c.2305C>T on transcript NM_000070.3 (MANE Select); coding-DNA position 2305, C replaced by T.
Protein change: p.Arg769Trp; replaces arginine 769 with tryptophan.
Molecular consequence: missense variant.
Genome position (GRCh38, 1-based): chr15:42,410,925, C>T. VCF-style: chr15-42410925-C-T. GRCh37 (hg19) VCF-style: chr15-42703123-C-T.
Other names: c.2287C>T, p.Arg763Trp (NM_024344.2); c.2029C>T, p.Arg677Trp (NM_173087.2); c.769C>T, p.Arg257Trp (NM_173088.2); c.310C>T, p.Arg104Trp (NM_173089.2, NM_173090.2); short protein forms R769W, R677W, R257W, R763W, R104W.
Identifiers: ClinVar variation 282411 (VCV000282411.27), dbSNP rs868791726, ClinGen allele CA10604167.